The following is an entry in ClinVar:

ClinVar aggregate classification (germline): Uncertain significance. Review status: criteria provided, multiple submitters, no conflicts (2 of 4 stars). 2 submissions from 2 submitters: Uncertain significance (2). Last evaluated 2025-06-22.

Allele frequency attached by ClinVar (database versions not stated): gnomAD 0.00007; TOPMed 0.00007; ExAC 0.00022.

Submissions (2):

Ambry Genetics
Classification: Uncertain significance. Last evaluated: 2025-06-22. Review status: criteria provided, single submitter. Criteria: Ambry Variant Classification Scheme 2023. Collection method: clinical testing. Allele origin: germline.

Labcorp Genetics (formerly Invitae), Labcorp
Classification: Uncertain significance. Last evaluated: 2024-06-03. Review status: criteria provided, single submitter. Criteria: Invitae Variant Classification Sherloc (09022015). Collection method: clinical testing. Allele origin: germline.
Comment: This sequence change replaces alanine, which is neutral and non-polar, with valine, which is neutral and non-polar, at codon 96 of the TRIM28 protein (p.Ala96Val). The frequency data for this variant in the population databases is considered unreliable, as metrics indicate poor data quality at this position in the gnomAD database. This variant has not been reported in the literature in individuals affected with TRIM28-related conditions. ClinVar contains an entry for this variant (Variation ID: 2535218). Experimental studies and prediction algorithms are not available or were not evaluated, and the functional significance of this variant is currently unknown. In summary, the available evidence is currently insufficient to determine the role of this variant in disease. Therefore, it has been classified as a Variant of Uncertain Significance.

NM_005762.3(TRIM28):c.287C>T (p.Ala96Val)

Genes: TRIM28 (tripartite motif containing 28; plus strand), LOC130065239 (ATAC-STARR-seq lymphoblastoid silent region 11093; plus strand). Cytogenetic location: 19q13.43.
Variant type: single nucleotide variant.
Coding change: c.287C>T on transcript NM_005762.3 (MANE Select); coding-DNA position 287, C replaced by T.
Protein change: p.Ala96Val; replaces alanine 96 with valine.
Molecular consequence: missense variant.
Genome position (GRCh38, 1-based): chr19:58,545,044, C>T. VCF-style: chr19-58545044-C-T. GRCh37 (hg19) VCF-style: chr19-59056411-C-T.
Other names: short protein forms A96V.
Identifiers: ClinVar variation 2535218 (VCV002535218.5), dbSNP rs751236307, ClinGen allele CA9718799.